The following is an entry in ClinVar:

ClinVar aggregate classification (germline): Benign. Review status: reviewed by expert panel (3 of 4 stars). 20 submissions from 19 submitters: Benign (1). 19 of the submissions do not count toward it. Last evaluated 2015-08-10.

Conditions:
BRCA2-related disorder. Also called: BRCA2-related condition; BRCA2-related disorders. Identifiers: MedGen CN239275.
Familial prostate cancer. Also called: Hereditary Prostate Cancer. Identifiers: MedGen C2931456, MONDO:0700275, OMIM 176807.
Hereditary cancer-predisposing syndrome. Also called: Neoplastic Syndromes, Hereditary; Tumor predisposition; Hereditary Cancer Syndrome; Hereditary neoplastic syndrome. Identifiers: Orphanet 140162, MedGen C0027672, MeSH D009386, MONDO:0015356.
Hereditary breast ovarian cancer syndrome. Also called: Breast and ovarian cancer; Hereditary breast and ovarian cancer; Hereditary breast and ovarian cancer syndrome (HBOC); Hereditary breast and ovarian cancer syndrome; BRCA1- and BRCA2-Associated Hereditary Breast and Ovarian Cancer; Hereditary breast and/or ovarian cancer syndrome. Identifiers: Orphanet 145, MedGen C0677776, MeSH D061325, MONDO:0003582. Disease mechanism: loss of function.
Breast-ovarian cancer, familial, susceptibility to, 2 (BROVCA2). Also called: BRCA2 Hereditary Breast and Ovarian Cancer. Identifiers: Orphanet 145, MedGen C2675520, MONDO:0012933, OMIM 612555. Disease mechanism: loss of function.
Fanconi anemia complementation group D1. Also called: BRCA2-Related Fanconi Anemia. Identifiers: Orphanet 319462, MedGen C1838457, MONDO:0011584, OMIM 605724.

Allele frequency attached by ClinVar (database versions not stated): ExAC 0.00004; gnomAD 0.00005; gnomAD exomes 0.00006 and 0.00012; TOPMed 0.00006; ESP Exome Variant Server 0.00008.
gnomAD v4.1: 178 of 1,614,002 alleles (0.011%); highest among the groups gnomAD compares: Non-Finnish European, 0.015%; no homozygotes.

Submissions (20):

Evidence-based Network for the Interpretation of Germline Mutant Alleles (ENIGMA)
Classification: Benign for Breast-ovarian cancer, familial 2. Last evaluated: 2015-08-10. Review status: reviewed by expert panel. Criteria: ENIGMA BRCA1/2 Classification Criteria (2015). Collection method: curation. Allele origin: germline.
Comment: IARC class based on posterior probability from multifactorial likelihood analysis, thresholds for class as per Plon et al. 2008 (PMID: 18951446). Class 1 based on posterior probability = 0.00000368

Labcorp Genetics (formerly Invitae), Labcorp
Classification: Likely benign for Hereditary breast ovarian cancer syndrome. Last evaluated: 2026-01-25. Review status: criteria provided, single submitter. Criteria: Invitae Variant Classification Sherloc (09022015). Collection method: clinical testing. Allele origin: germline. Not counted in ClinVar's aggregate classification.

Women's Health and Genetics/Laboratory Corporation of America, LabCorp
Classification: Likely benign. Last evaluated: 2025-11-13. Review status: criteria provided, single submitter. Criteria: LabCorp Variant Classification Summary - May 2015. Collection method: clinical testing. Allele origin: germline. Not counted in ClinVar's aggregate classification.
Comment: Variant summary: BRCA2 c.9592T>C (p.Cys3198Arg) results in a non-conservative amino acid change in the encoded protein sequence. Algorithms developed to predict the effect of missense changes on protein structure and function are either unavailable or do not agree on the potential impact of this missense change. The variant allele was found at a frequency of 6.4e-05 in 251414 control chromosomes, predominantly at a frequency of 0.00013 within the Non-Finnish European subpopulation in the gnomAD database. This frequency is not significantly higher than estimated for disease-causing variants in BRCA2, allowing no conclusion about variant significance.c.9592T>C has been reported in the literature in individuals affected with or at risk of breast cancer and lung adenocarcinoma (e.g. Lu_2012, Parry_2017), but it has also reported in non-cancer individuals (e.g. Kraemer_2019), including in 4/7325 women of European American descent over the age of 70 who have never had cancer (FLOSSIES database). Co-occurrences with pathogenic variants in the same gene have been reported in multiple cases (BRCA2 c.748delG, p.Val250Xfs; BRCA2 c.5863delT, p.Ser1955GlnfsX8; BRCA2 c.4965C>G, p.Tyr1655X; BIC database and Internal testing), providing supporting evidence for a benign role. To our knowledge, no experimental evidence demonstrating an impact on protein function has been reported. The following publications have been ascertained in the context of this evaluation (PMID: 33471991, 17924331, 24323938, 31422574, 28726806, 21990134, 22476429, 28843361, 30212499, 23704879). ClinVar contains an entry for this variant (Variation ID: 38252). Based on the evidence outlined above, the variant was classified as likely benign.

CeGaT Center for Human Genetics Tuebingen
Classification: Likely benign. Last evaluated: 2025-11-01. Review status: criteria provided, single submitter. Criteria: CeGaT Center For Human Genetics Tuebingen Variant Classification Criteria Version 2. Collection method: clinical testing. Allele origin: germline. Affected: yes. Observed: 1 variant allele. Not counted in ClinVar's aggregate classification.
Comment: BRCA2: BP4

Blueprint Genetics
Classification: Likely benign. Last evaluated: 2024-11-13. Review status: criteria provided, single submitter. Criteria: ACMG Guidelines, 2015. Collection method: clinical testing. Allele origin: germline. Not counted in ClinVar's aggregate classification.

Mayo Clinic Laboratories, Mayo Clinic
Classification: Benign. Last evaluated: 2023-09-26. Review status: criteria provided, single submitter. Criteria: ACMG Guidelines, 2015. Collection method: clinical testing. Allele origin: germline. Observed: 3 variant alleles. Not counted in ClinVar's aggregate classification.
Comment: BS1_supporting, BP1_strong, BP5_strong

Quest Diagnostics Nichols Institute San Juan Capistrano
Classification: Benign. Last evaluated: 2022-11-30. Review status: criteria provided, single submitter. Criteria: Quest Diagnostics criteria. Collection method: clinical testing. Allele origin: unknown. Not counted in ClinVar's aggregate classification.

Department of Pathology and Laboratory Medicine, Sinai Health System
Classification: Likely benign for Familial prostate cancer. Last evaluated: 2022-10-25. Review status: criteria provided, single submitter. Criteria: ACMG Guidelines, 2015. Collection method: clinical testing. Allele origin: germline. Affected: yes. Not counted in ClinVar's aggregate classification.

GeneDx
Classification: Likely benign. Last evaluated: 2020-08-03. Review status: criteria provided, single submitter. Criteria: GeneDx Variant Classification Process June 2021. Collection method: clinical testing. Allele origin: germline. Affected: yes. Not counted in ClinVar's aggregate classification.
Comment: In silico analysis, which includes protein predictors and evolutionary conservation, supports that this variant does not alter protein structure/function; This variant is associated with the following publications: (PMID: 21990134, 17924331, 26689913, 27060149, 23704879, 24323938, 25722345)

Baylor Genetics
Classification: Uncertain significance for Breast-ovarian cancer, familial, susceptibility to, 2. Last evaluated: 2019-01-14. Review status: criteria provided, single submitter. Criteria: ACMG Guidelines, 2015. Collection method: clinical testing. Allele origin: maternal. Affected: yes. Study: CSER-TexasKidsCanSeq. Not counted in ClinVar's aggregate classification.
Comment: This variant was determined to be of uncertain significance according to ACMG Guidelines, 2015 [PMID:25741868].

Illumina Laboratory Services, Illumina
Classification: Uncertain significance for Fanconi anemia complementation group D1. Last evaluated: 2018-01-12. Review status: criteria provided, single submitter. Criteria: ICSL Variant Classification Criteria 13 December 2019. Collection method: clinical testing. Allele origin: germline. Not counted in ClinVar's aggregate classification.

Illumina Laboratory Services, Illumina
Classification: Uncertain significance for Breast-ovarian cancer, familial, susceptibility to, 2. Last evaluated: 2018-01-12. Review status: criteria provided, single submitter. Criteria: ICSL Variant Classification Criteria 13 December 2019. Collection method: clinical testing. Allele origin: germline. Not counted in ClinVar's aggregate classification.

ARUP Laboratories, Molecular Genetics and Genomics, ARUP Laboratories
Classification: Benign. Last evaluated: 2017-07-07. Review status: criteria provided, single submitter. Criteria: ARUP Molecular Germline Variant Investigation Process. Collection method: clinical testing. Allele origin: germline. Not counted in ClinVar's aggregate classification.

Institute for Biomarker Research, Medical Diagnostic Laboratories, L.L.C.
Classification: Likely benign for Hereditary breast ovarian cancer syndrome. Last evaluated: 2016-04-25. Review status: criteria provided, single submitter. Criteria: ACMG Guidelines, 2015. Collection method: clinical testing. Allele origin: germline. Not counted in ClinVar's aggregate classification.

Color Diagnostics, LLC DBA Color Health
Classification: Likely benign for Hereditary cancer-predisposing syndrome. Last evaluated: 2015-07-22. Review status: criteria provided, single submitter. Criteria: ACMG Guidelines, 2015. Collection method: clinical testing. Allele origin: germline. Not counted in ClinVar's aggregate classification.

Ambry Genetics
Classification: Benign for Hereditary cancer-predisposing syndrome. Last evaluated: 2014-11-19. Review status: criteria provided, single submitter. Criteria: Ambry Variant Classification Scheme 2023. Collection method: clinical testing. Allele origin: germline. Not counted in ClinVar's aggregate classification.

PreventionGenetics, part of Exact Sciences
Classification: Benign for BRCA2-related condition. Last evaluated: 2023-07-08. Review status: no assertion criteria provided. Collection method: clinical testing. Allele origin: germline. Not counted in ClinVar's aggregate classification.
Comment: This variant is classified as benign based on ACMG/AMP sequence variant interpretation guidelines (Richards et al. 2015 PMID: 25741868, with internal and published modifications).

Counsyl
Classification: Benign for Breast-ovarian cancer, familial, susceptibility to, 2. Last evaluated: 2015-12-04. Review status: no assertion criteria provided. Collection method: clinical testing. Allele origin: unknown. Not counted in ClinVar's aggregate classification.

Sharing Clinical Reports Project (SCRP)
Classification: Benign for Breast-ovarian cancer, familial 2. Last evaluated: 2012-05-01. Review status: no assertion criteria provided. Collection method: clinical testing. Allele origin: germline. Not counted in ClinVar's aggregate classification.

Breast Cancer Information Core (BIC) (BRCA2)
Classification: Uncertain significance for Breast-ovarian cancer, familial 2. Last evaluated: 2004-02-20. Review status: no assertion criteria provided. Collection method: clinical testing. Allele origin: germline. Affected: yes. Observed: 6 variant alleles. Not counted in ClinVar's aggregate classification.

Literature cited by the submitters: PubMed 21990134 (cited by 5 submitters); PubMed 17924331 (cited by 4 submitters); PubMed 24323938 (cited by 3 submitters); PubMed 22476429 (cited by 3 submitters); PubMed 23704879 (cited by Women's Health and Genetics/Laboratory Corporation of America, LabCorp); PubMed 28843361 (cited by Women's Health and Genetics/Laboratory Corporation of America, LabCorp and Department of Pathology and Laboratory Medicine, Sinai Health System); PubMed 28726806 (cited by Women's Health and Genetics/Laboratory Corporation of America, LabCorp and Quest Diagnostics Nichols Institute San Juan Capistrano); PubMed 30212499 (cited by Women's Health and Genetics/Laboratory Corporation of America, LabCorp); PubMed 31422574 (cited by Women's Health and Genetics/Laboratory Corporation of America, LabCorp and Quest Diagnostics Nichols Institute San Juan Capistrano); PubMed 33471991 (cited by 3 submitters).

NM_000059.4(BRCA2):c.9592T>C (p.Cys3198Arg)

Gene: BRCA2 (BRCA2 DNA repair associated; plus strand). Cytogenetic location: 13q13.1.
Variant type: single nucleotide variant.
Coding change: c.9592T>C on transcript NM_000059.4 (MANE Select); coding-DNA position 9592, T replaced by C.
Protein change: p.Cys3198Arg; replaces cysteine 3198 with arginine.
Molecular consequence: missense variant.
Genome position (GRCh38, 1-based): chr13:32,396,988, T>C. VCF-style: chr13-32396988-T-C. GRCh37 (hg19) VCF-style: chr13-32971125-T-C.
Other names: 9820T>C; short protein forms C3198R.
Identifiers: ClinVar variation 38252 (VCV000038252.48), dbSNP rs80359229, ClinGen allele CA026225.